The following is an entry in ClinVar:

NM_016213.5(TRIP4):c.1165C>T (p.Pro389Ser)

Gene: TRIP4 (thyroid hormone receptor interactor 4; plus strand). Cytogenetic location: 15q22.31.
Variant type: single nucleotide variant.
Coding change: c.1165C>T on transcript NM_016213.5 (MANE Select); coding-DNA position 1165, C replaced by T.
Protein change: p.Pro389Ser; replaces proline 389 with serine.
Molecular consequence: missense variant.
Genome position (GRCh38, 1-based): chr15:64,414,206, C>T. VCF-style: chr15-64414206-C-T. GRCh37 (hg19) VCF-style: chr15-64706405-C-T.
Other names: c.475C>T, p.Pro159Ser (NM_001321924.2); short protein forms P159S, P389S.
Identifiers: ClinVar variation 1188593 (VCV001188593.31), dbSNP rs144077712, ClinGen allele CA7609560.

ClinVar aggregate classification (germline): Conflicting classifications of pathogenicity. Review status: criteria provided, conflicting classifications (1 of 4 stars). 5 submissions from 5 submitters: Uncertain significance (4); Likely benign (1). Last evaluated 2024-04-17.

Conditions:
Inborn genetic diseases. Identifiers: MedGen C0950123, MeSH D030342.

Allele frequency attached by ClinVar (database versions not stated): ExAC 0.00026; gnomAD exomes 0.00030; TOPMed 0.00033; gnomAD 0.00039 and 0.00040; ESP Exome Variant Server 0.00077.
gnomAD v4.1: 997 of 1,613,836 alleles (0.062%); highest among the groups gnomAD compares: South Asian, 0.089%; 3 homozygotes.

Submissions (5):

Revvity Omics, Revvity
Classification: Uncertain significance. Last evaluated: 2024-04-17. Review status: criteria provided, single submitter. Criteria: ACMG Guidelines, 2015. Collection method: clinical testing. Allele origin: germline.

CeGaT Center for Human Genetics Tuebingen
Classification: Likely benign. Last evaluated: 2023-04-01. Review status: criteria provided, single submitter. Criteria: CeGaT Center For Human Genetics Tuebingen Variant Classification Criteria Version 2. Collection method: clinical testing. Allele origin: germline. Affected: yes. Observed: 1 variant allele.
Comment: TRIP4: BP4

Labcorp Genetics (formerly Invitae), Labcorp
Classification: Uncertain significance. Last evaluated: 2022-10-05. Review status: criteria provided, single submitter. Criteria: Invitae Variant Classification Sherloc (09022015). Collection method: clinical testing. Allele origin: germline.
Comment: This sequence change replaces proline, which is neutral and non-polar, with serine, which is neutral and polar, at codon 389 of the TRIP4 protein (p.Pro389Ser). This variant is present in population databases (rs144077712, gnomAD 0.09%). This variant has not been reported in the literature in individuals affected with TRIP4-related conditions. ClinVar contains an entry for this variant (Variation ID: 1188593). Algorithms developed to predict the effect of missense changes on protein structure and function (SIFT, PolyPhen-2, Align-GVGD) all suggest that this variant is likely to be disruptive. In summary, the available evidence is currently insufficient to determine the role of this variant in disease. Therefore, it has been classified as a Variant of Uncertain Significance.

Ambry Genetics
Classification: Uncertain significance for Inborn genetic diseases. Last evaluated: 2021-03-10. Review status: criteria provided, single submitter. Criteria: Ambry Variant Classification Scheme 2023. Collection method: clinical testing. Allele origin: germline.
Comment: The c.1165C>T (p.P389S) alteration is located in exon 8 (coding exon 8) of the TRIP4 gene. This alteration results from a C to T substitution at nucleotide position 1165, causing the proline (P) at amino acid position 389 to be replaced by a serine (S). The in silico prediction for the p.P389S alteration is inconclusive. Based on insufficient or conflicting evidence, the clinical significance of this alteration remains unclear.

GeneDx
Classification: Uncertain significance. Last evaluated: 2021-01-06. Review status: criteria provided, single submitter. Criteria: GeneDx Variant Classification Process June 2021. Collection method: clinical testing. Allele origin: germline. Affected: yes.
Comment: In silico analysis supports that this missense variant has a deleterious effect on protein structure/function; Has not been previously published as pathogenic or benign to our knowledge